The following is an entry in ClinVar:

NM_194248.3(OTOF):c.4301dup (p.Lys1435fs)

Gene: OTOF (otoferlin; minus strand). Cytogenetic location: 2p23.3.
Variant type: Duplication.
Coding change: c.4301dup on transcript NM_194248.3 (MANE Select); coding-DNA position 4301, one base duplicated (G; older notation c.4301dupG).
Protein change: p.Lys1435fs; shifts the reading frame from lysine 1435.
Molecular consequence: frameshift variant.
Genome position (GRCh38, 1-based): chr2:26,467,160, C duplicated on the plus strand (G on the coding strand, the reverse complement: OTOF is on the minus strand); the first of 4 consecutive C bases (chr2:26,467,160-26,467,163); duplicating any one gives the same sequence. VCF-style (leftmost placement, unchanged base first): chr2-26467159-G-GC. GRCh37 (hg19) VCF-style: chr2-26690027-G-GC.
Other names: c.4301dup, p.Lys1435fs (NM_001287489.2); c.2000dup, p.Lys668fs (NM_004802.4, NM_194323.3); c.2231dup, p.Lys745fs (NM_194322.3); short protein forms K668fs, K745fs, K1435fs.
Identifiers: ClinVar variation 2816862 (VCV002816862.3), dbSNP rs2465533651, ClinGen allele CA2658234816.

ClinVar aggregate classification (germline): Pathogenic (1 of 4 stars; one submission).

Submission:

Labcorp Genetics (formerly Invitae), Labcorp
Classification: Pathogenic. Last evaluated: 2023-08-19. Review status: criteria provided, single submitter. Criteria: Invitae Variant Classification Sherloc (09022015). Collection method: clinical testing. Allele origin: germline.
Comment: This sequence change creates a premature translational stop signal (p.Lys1435Glnfs*5) in the OTOF gene. It is expected to result in an absent or disrupted protein product. Loss-of-function variants in OTOF are known to be pathogenic (PMID: 18381613, 19250381, 22575033). This variant is not present in population databases (gnomAD no frequency). For these reasons, this variant has been classified as Pathogenic. This variant has not been reported in the literature in individuals affected with OTOF-related conditions.

Literature cited by the submitters: PubMed 18381613; PubMed 19250381; PubMed 22575033.